The following is an entry in ClinVar:

ClinVar aggregate classification (germline): Uncertain significance. Review status: criteria provided, single submitter (1 of 4 stars). 2 submissions from 2 submitters: Uncertain significance (1). 1 of the submissions does not count toward it. Last evaluated 2024-01-31.

Conditions:
NRP1-related disorder. Also called: NRP1-related condition.

Allele frequency attached by ClinVar (database versions not stated): TOPMed below 0.00001; gnomAD 0.00001; ExAC 0.00002; gnomAD exomes 0.00002.
gnomAD v4.1: 35 of 1,613,686 alleles (0.0022%); highest among the groups gnomAD compares: East Asian, 0.0045%; no homozygotes.

Submissions (2):

Ambry Genetics
Classification: Uncertain significance. Last evaluated: 2024-01-31. Review status: criteria provided, single submitter. Criteria: Ambry Variant Classification Scheme 2023. Collection method: clinical testing. Allele origin: germline.

PreventionGenetics, part of Exact Sciences
Classification: Uncertain significance for NRP1-related condition. Last evaluated: 2024-07-30. Review status: no assertion criteria provided. Collection method: clinical testing. Allele origin: germline. Not counted in ClinVar's aggregate classification.
Comment: The NRP1 c.484G>A variant is predicted to result in the amino acid substitution p.Gly162Arg. To our knowledge, this variant has not been reported in the literature. This variant is reported in 0.0098% of alleles in individuals of South Asian descent in gnomAD. At this time, the clinical significance of this variant is uncertain due to the absence of conclusive functional and genetic evidence.

NM_003873.7(NRP1):c.484G>A (p.Gly162Arg)

Genes: NRP1 (neuropilin 1; minus strand), LOC126860910 (P300/CBP strongly-dependent group 1 enhancer GRCh37_chr10:33552654-33553853; plus strand). Cytogenetic location: 10p11.22.
Variant type: single nucleotide variant.
Coding change: c.484G>A on transcript NM_003873.7 (MANE Select); coding-DNA position 484, G replaced by A.
Protein change: p.Gly162Arg; replaces glycine 162 with arginine.
Molecular consequence: missense variant. On other transcripts: non-coding transcript variant (1).
Genome position (GRCh38, 1-based): chr10:33,263,820, C>T on the plus strand (G>A on the coding strand, the complement: NRP1 is on the minus strand). VCF-style: chr10-33263820-C-T. GRCh37 (hg19) VCF-style: chr10-33552748-C-T.
Other names: c.484G>A, p.Gly162Arg (NM_001024628.3, NM_001024629.3, NM_001244972.2 and 2 more transcripts); short protein forms G162R.
Identifiers: ClinVar variation 3202192 (VCV003202192.2), dbSNP rs760204296, ClinGen allele CA5466939.